The following is an entry in ClinVar:

NM_001197104.2(KMT2A):c.6773G>A (p.Ser2258Asn)

Gene: KMT2A (lysine methyltransferase 2A; plus strand). Cytogenetic location: 11q23.3.
Variant type: single nucleotide variant.
Coding change: c.6773G>A on transcript NM_001197104.2 (MANE Select); coding-DNA position 6773, G replaced by A.
Protein change: p.Ser2258Asn; replaces serine 2258 with asparagine.
Molecular consequence: missense variant.
Genome position (GRCh38, 1-based): chr11:118,502,665, G>A. VCF-style: chr11-118502665-G-A. GRCh37 (hg19) VCF-style: chr11-118373380-G-A.
Other names: c.6863G>A, p.Ser2288Asn (NM_001412597.1); c.6764G>A, p.Ser2255Asn (NM_005933.4); short protein forms S2255N, S2258N, S2288N.
Identifiers: ClinVar variation 2433173 (VCV002433173.5), dbSNP rs1555046152, ClinGen allele CA382802967.
Genomic context (GRCh38, chr11:118,502,665, plus strand): 5'-ATCTTGAATCAAGTGCCAAAGTAGTTGATCATGTCTTAGGGCCACTGAATTCAAGTACTA[G>A]TTTAGGGCAAAACACTTCCACCTCTTCAAATTTGCAAAGGACAGTGGTTACTGTAGGCAA-3'
Protein context (NP_001184033.1, residues 2248-2268): HVLGPLNSST[Ser2258Asn]LGQNTSTSSN

ClinVar aggregate classification (germline): Conflicting classifications of pathogenicity. Review status: criteria provided, conflicting classifications (1 of 4 stars). 3 submissions from 3 submitters: Uncertain significance (2); Likely benign (1). Last evaluated 2025-06-10.

Conditions:
Inborn genetic diseases. Identifiers: MedGen C0950123, MeSH D030342.
Wiedemann-Steiner syndrome (WDSTS). Also called: Growth deficiency and mental retardation with facial dysmorphism. Identifiers: Orphanet 319182, MedGen C1854630, MONDO:0011518, OMIM 605130.

Allele frequency attached by ClinVar (database versions not stated): gnomAD exomes below 0.00001; gnomAD 0.00001.
gnomAD v4.1: 3 of 1,614,020 alleles (0.00019%); highest among the groups gnomAD compares: East Asian, 0.0067%; no homozygotes.

Submissions (3):

Ambry Genetics
Classification: Likely benign for Inborn genetic diseases. Last evaluated: 2025-06-10. Review status: criteria provided, single submitter. Criteria: Ambry Variant Classification Scheme 2023. Collection method: clinical testing. Allele origin: germline.

GeneDx
Classification: Uncertain significance. Last evaluated: 2023-02-22. Review status: criteria provided, single submitter. Criteria: GeneDx Variant Classification Process June 2021. Collection method: clinical testing. Allele origin: germline. Affected: yes.
Comment: In silico analysis supports that this missense variant does not alter protein structure/function; Has not been previously published as pathogenic or benign to our knowledge

Revvity Omics, Revvity
Classification: Uncertain significance for Wiedemann-Steiner syndrome. Last evaluated: 2021-12-07. Review status: criteria provided, single submitter. Criteria: ACMG Guidelines, 2015. Collection method: clinical testing. Allele origin: germline.